The following is an entry in ClinVar:

ClinVar aggregate classification (germline): Uncertain significance (1 of 4 stars; one submission).

Conditions:
Myopathy, proximal, and ophthalmoplegia (CMYO6). Also called: INCLUSION BODY MYOPATHY 3, AUTOSOMAL DOMINANT; MYOPATHY WITH CONGENITAL JOINT CONTRACTURES, OPHTHALMOPLEGIA, AND RIMMED VACUOLES; CONGENITAL MYOPATHY 6 WITH OPHTHALMOPLEGIA. Identifiers: Orphanet 363677, Orphanet 79091, MedGen C1854106, MONDO:0011577, OMIM 605637.

Submission:

Labcorp Genetics (formerly Invitae), Labcorp
Classification: Uncertain significance for Myopathy, proximal, and ophthalmoplegia. Last evaluated: 2025-08-23. Review status: criteria provided, single submitter. Criteria: Invitae Variant Classification Sherloc (09022015). Collection method: clinical testing. Allele origin: germline.
Comment: This sequence change replaces lysine, which is basic and polar, with asparagine, which is neutral and polar, at codon 1058 of the MYH2 protein (p.Lys1058Asn). This variant is not present in population databases (gnomAD no frequency). This variant has not been reported in the literature in individuals affected with MYH2-related conditions. ClinVar contains an entry for this variant (Variation ID: 2765767). Invitae Evidence Modeling of protein sequence and biophysical properties (such as structural, functional, and spatial information, amino acid conservation, physicochemical variation, residue mobility, and thermodynamic stability) indicates that this missense variant is not expected to disrupt MYH2 protein function with a negative predictive value of 80%. In summary, the available evidence is currently insufficient to determine the role of this variant in disease. Therefore, it has been classified as a Variant of Uncertain Significance.

NM_017534.6(MYH2):c.3174G>C (p.Lys1058Asn)

Genes: MYH2 (myosin heavy chain 2; minus strand), MYHAS (myosin heavy chain gene cluster antisense RNA; plus strand). Cytogenetic location: 17p13.1.
Variant type: single nucleotide variant.
Coding change: c.3174G>C on transcript NM_017534.6 (MANE Select); coding-DNA position 3174, G replaced by C.
Protein change: p.Lys1058Asn; replaces lysine 1058 with asparagine.
Molecular consequence: missense variant.
Genome position (GRCh38, 1-based): chr17:10,529,425, C>G on the plus strand (G>C on the coding strand, the complement: MYH2 is on the minus strand). VCF-style: chr17-10529425-C-G. GRCh37 (hg19) VCF-style: chr17-10432742-C-G.
Other names: c.3174G>C, p.Lys1058Asn (NM_001100112.2); short protein forms K1058N.
Identifiers: ClinVar variation 2765767 (VCV002765767.3), dbSNP rs2508431184, ClinGen allele CA398138783.